The following is an entry in ClinVar:

ClinVar aggregate classification (germline): Uncertain significance (1 of 4 stars; one submission).

gnomAD v4.1: 7 of 1,607,614 alleles (0.00044%); highest among the groups gnomAD compares: African/African-American, 0.008%; no homozygotes.

Submission:

Labcorp Genetics (formerly Invitae), Labcorp
Classification: Uncertain significance. Last evaluated: 2025-07-13. Review status: criteria provided, single submitter. Criteria: Invitae Variant Classification Sherloc (09022015). Collection method: clinical testing. Allele origin: germline.
Comment: This sequence change falls in intron 24 of the UBR1 gene. It does not directly change the encoded amino acid sequence of the UBR1 protein. It affects a nucleotide within the consensus splice site. This variant is present in population databases (no rsID available, gnomAD 0.01%). This variant has not been reported in the literature in individuals affected with UBR1-related conditions. Variants that disrupt the consensus splice site are a relatively common cause of aberrant splicing (PMID: 17576681, 9536098). Algorithms developed to predict the effect of sequence changes on RNA splicing suggest that this variant is not likely to affect RNA splicing. In summary, the available evidence is currently insufficient to determine the role of this variant in disease. Therefore, it has been classified as a Variant of Uncertain Significance.

Literature cited by the submitters: PubMed 17576681; PubMed 9536098.

NM_174916.3(UBR1):c.2584+6A>T

Gene: UBR1 (ubiquitin protein ligase E3 component n-recognin 1; minus strand). Cytogenetic location: 15q15.2.
Variant type: single nucleotide variant.
Coding change: c.2584+6A>T on transcript NM_174916.3 (MANE Select); 6 bases into the intron after coding-DNA position 2584, A replaced by T.
Molecular consequence: intron variant.
Genome position (GRCh38, 1-based): chr15:43,025,375, T>A on the plus strand (A>T on the coding strand, the complement: UBR1 is on the minus strand). VCF-style: chr15-43025375-T-A. GRCh37 (hg19) VCF-style: chr15-43317573-T-A.
Identifiers: ClinVar variation 4702834 (VCV004702834.1).
Genomic context (GRCh38, chr15:43,025,375, plus strand): 5'-ATGCTTTGCTGATGTGAAACCACAGAAAATAGTCAAAATGAGTCAATTCAGAATCTCACT[T>A]TTTACCTTCATCTTTGTTTTCTTGTTTTCTCCTTTTCTTCTGCATATGTTCAGCCTATAA-3'